The following is an entry in ClinVar:

NM_001205293.3(CACNA1E):c.3275C>T (p.Thr1092Met)

Gene: CACNA1E (calcium voltage-gated channel subunit alpha1 E; plus strand). Cytogenetic location: 1q25.3.
Variant type: single nucleotide variant.
Coding change: c.3275C>T on transcript NM_001205293.3 (MANE Select); coding-DNA position 3275, C replaced by T.
Protein change: p.Thr1092Met; replaces threonine 1092 with methionine.
Molecular consequence: missense variant.
Genome position (GRCh38, 1-based): chr1:181,736,287, C>T. VCF-style: chr1-181736287-C-T. GRCh37 (hg19) VCF-style: chr1-181705423-C-T.
Other names: c.3275C>T, p.Thr1092Met (NM_000721.4); c.3218C>T, p.Thr1073Met (NM_001205294.2); short protein forms T1092M, T1073M.
Identifiers: ClinVar variation 619970 (VCV000619970.10), dbSNP rs1382064469, ClinGen allele CA343621448.

ClinVar aggregate classification (germline): Benign. Review status: criteria provided, single submitter (1 of 4 stars). 2 submissions from 2 submitters: Benign (1). 1 of the submissions does not count toward it. Last evaluated 2025-10-01.

Conditions:
Episodic coma.

Allele frequency attached by ClinVar (database versions not stated): gnomAD 0.00001; gnomAD exomes 0.00001; TOPMed 0.00001.
gnomAD v4.1: 10 of 1,590,962 alleles (0.00063%); highest among the groups gnomAD compares: Middle Eastern, 0.017%; no homozygotes.

Submissions (2):

Labcorp Genetics (formerly Invitae), Labcorp
Classification: Benign. Last evaluated: 2025-10-01. Review status: criteria provided, single submitter. Criteria: Invitae Variant Classification Sherloc (09022015). Collection method: clinical testing. Allele origin: germline.

Dr Goodarzi Genetics and Genomics Lab
Classification: Likely pathogenic for Episodic coma. Last evaluated: 2018-09-01. Review status: no assertion criteria provided. Collection method: clinical testing. Allele origin: inherited. Inheritance: Autosomal dominant inheritance. Affected: yes. Observed: 4 variant alleles. Not counted in ClinVar's aggregate classification.
Comment: A novel missense variant (c.3275C>T) p.T1092M located within the exon 22 of the CACNA1E gene was identified in all of the affected children and their mother, while no variant was found in the father or the healthy individuals in the family, and also 100 normal individuals in the control group. Also, this variant was not detected in the Iranian genome project database.

The first version of this submission defined the reference assembly as GRCh38 instead of GRCh37 so the location in the gene was calculated to be NM_001205293.3:c.1056-5531C>T instead of c.3275C>T.